The following is an entry in ClinVar:

ClinVar aggregate classification (germline): Uncertain significance (1 of 4 stars; one submission).

Allele frequency attached by ClinVar (database versions not stated): gnomAD exomes below 0.00001; TOPMed below 0.00001.
gnomAD v4.1: 2 of 1,598,674 alleles (0.00013%); highest among the groups gnomAD compares: Non-Finnish European, 0.00017%; no homozygotes.

Submission:

Labcorp Genetics (formerly Invitae), Labcorp
Classification: Uncertain significance. Last evaluated: 2022-03-04. Review status: criteria provided, single submitter. Criteria: Invitae Variant Classification Sherloc (09022015). Collection method: clinical testing. Allele origin: germline.
Comment: In summary, the available evidence is currently insufficient to determine the role of this variant in disease. Therefore, it has been classified as a Variant of Uncertain Significance. This sequence change replaces lysine, which is basic and polar, with glutamine, which is neutral and polar, at codon 892 of the KANK1 protein (p.Lys892Gln). This variant is not present in population databases (gnomAD no frequency). This variant has not been reported in the literature in individuals affected with KANK1-related conditions. Algorithms developed to predict the effect of missense changes on protein structure and function (SIFT, PolyPhen-2, Align-GVGD) all suggest that this variant is likely to be tolerated.

NM_015158.5(KANK1):c.2674A>C (p.Lys892Gln)

Gene: KANK1 (KN motif and ankyrin repeat domains 1; plus strand). Cytogenetic location: 9p24.3.
Variant type: single nucleotide variant.
Coding change: c.2674A>C on transcript NM_015158.5 (MANE Select); coding-DNA position 2674, A replaced by C.
Protein change: p.Lys892Gln; replaces lysine 892 with glutamine.
Molecular consequence: missense variant. On other transcripts: non-coding transcript variant (1).
Genome position (GRCh38, 1-based): chr9:713,440, A>C. VCF-style: chr9-713440-A-C. GRCh37 (hg19) VCF-style: chr9-713440-A-C.
Other names: c.2674A>C, p.Lys892Gln (NM_001256876.3, NM_001256877.3, NM_001354331.2 and 2 more transcripts); c.2200A>C, p.Lys734Gln (NM_001354333.2, NM_001354335.2, NM_001354336.2 and 9 more transcripts); short protein forms K892Q, K734Q.
Identifiers: ClinVar variation 1947844 (VCV001947844.5), dbSNP rs78943172, ClinGen allele CA372750756.